The following is an entry in ClinVar:

ClinVar aggregate classification (germline): Conflicting classifications of pathogenicity. Review status: criteria provided, conflicting classifications (1 of 4 stars). 5 submissions from 5 submitters: Likely pathogenic (2); Uncertain significance (2). 1 of the submissions does not count toward it. Last evaluated 2026-05-07.

Conditions:
SPTAN1-related disorder. Also called: SPTAN1-related disorders; SPTAN1-related condition.
Early-infantile DEE. Also called: Early infantile epileptic encephalopathy; Ohtahara syndrome; Early infantile epileptic encephalopathy with suppression bursts. Identifiers: Orphanet 1934, MedGen C0393706, MONDO:0800491.
Developmental and epileptic encephalopathy, 5 (DEE5). Identifiers: Orphanet 3451, MedGen C3150731, MONDO:0013277, OMIM 613477.

Submissions (5):

Department of Human Genetics, Hannover Medical School
Classification: Likely pathogenic for Developmental and epileptic encephalopathy, 5. Last evaluated: 2026-05-07. Review status: criteria provided, single submitter. Criteria: ACMG Guidelines, 2015. Collection method: clinical testing. Allele origin: germline. Affected: yes.
Comment: PS2_Moderate, PS3_Supporting, PM2_Supporting, PP2, PP4

3billion
Classification: Likely pathogenic for SPTAN1-related disorder. Last evaluated: 2025-11-09. Review status: criteria provided, single submitter. Criteria: ACMG Guidelines, 2015. Collection method: clinical testing. Allele origin: germline. Affected: yes.
Comment: The variant is not observed in the gnomAD v4.1.0 dataset. Predicted Consequence/Location: Missense variant The same nucleotide change resulting in the same amino acid change has been previously reported to be associated with SPTAN1-related disorder (PMID: 35150594 /3billion dataset). The variant has been previously reported as de novo in a similarly affected individual (PMID: 35150594). A different missense change at the same codon (p.Arg1098Ser) has been reported to be associated with SPTAN1-related disorder (PMID: 34590414). Therefore, this variant is classified as Likely pathogenic according to the recommendation of ACMG/AMP guideline.

Labcorp Genetics (formerly Invitae), Labcorp
Classification: Uncertain significance for Early-infantile DEE. Last evaluated: 2023-12-25. Review status: criteria provided, single submitter. Criteria: Invitae Variant Classification Sherloc (09022015). Collection method: clinical testing. Allele origin: germline.
Comment: This sequence change replaces arginine, which is basic and polar, with cysteine, which is neutral and slightly polar, at codon 1098 of the SPTAN1 protein (p.Arg1098Cys). This variant is not present in population databases (gnomAD no frequency). This missense change has been observed in individual(s) with SPTAN1-related conditions (PMID: 35150594). In at least one individual the variant was observed to be de novo. ClinVar contains an entry for this variant (Variation ID: 1015715). Advanced modeling of protein sequence and biophysical properties (such as structural, functional, and spatial information, amino acid conservation, physicochemical variation, residue mobility, and thermodynamic stability) has been performed at Invitae for this missense variant, however the output from this modeling did not meet the statistical confidence thresholds required to predict the impact of this variant on SPTAN1 protein function. This variant disrupts the p.Arg1098 amino acid residue in SPTAN1. Other variant(s) that disrupt this residue have been observed in individuals with SPTAN1-related conditions (PMID: 34590414), which suggests that this may be a clinically significant amino acid residue. In summary, the available evidence is currently insufficient to determine the role of this variant in disease. Therefore, it has been classified as a Variant of Uncertain Significance.

Molecular Genetics Lab, CHRU Brest
Classification: Uncertain significance for Developmental and epileptic encephalopathy, 5. Review status: criteria provided, single submitter. Criteria: ACMG Guidelines, 2015. Collection method: clinical testing. Allele origin: de novo. Affected: yes.

Solve-RD Consortium
Classification: Likely pathogenic for Developmental and epileptic encephalopathy, 5. Last evaluated: 2022-06-01. Review status: no assertion criteria provided. Collection method: provider interpretation. Allele origin: inherited. Affected: yes. Not counted in ClinVar's aggregate classification.
Comment: Variant confirmed as disease-causing by referring clinical team

Variant identified during reanalysis of unsolved cases by the Solve-RD project. The Solve-RD project has received funding from the European Union’s Horizon 2020 research and innovation programme under grant agreement No 779257.

Literature cited by the submitters: PubMed 35150594 (cited by 3billion and Labcorp Genetics (formerly Invitae), Labcorp); PubMed 34590414 (cited by 3billion and Labcorp Genetics (formerly Invitae), Labcorp); PubMed 39825153 (cited by Solve-RD Consortium).

NM_001130438.3(SPTAN1):c.3292C>T (p.Arg1098Cys)

Gene: SPTAN1 (spectrin alpha, non-erythrocytic 1; plus strand). Cytogenetic location: 9q34.11.
Variant type: single nucleotide variant.
Coding change: c.3292C>T on transcript NM_001130438.3 (MANE Select); coding-DNA position 3292, C replaced by T.
Protein change: p.Arg1098Cys; replaces arginine 1098 with cysteine.
Molecular consequence: missense variant.
Genome position (GRCh38, 1-based): chr9:128,594,251, C>T. VCF-style: chr9-128594251-C-T. GRCh37 (hg19) VCF-style: chr9-131356530-C-T.
Other names: c.3232C>T, p.Arg1078Cys (NM_001195532.2, NM_001363765.2, NM_001375314.2); c.3292C>T, p.Arg1098Cys (NM_001363759.2, NM_001375310.1, NM_001375311.2 and 2 more transcripts); c.3328C>T, p.Arg1110Cys (NM_001375312.2, NM_001375318.1); short protein forms R1078C, R1098C, R1110C.
Identifiers: ClinVar variation 1015715 (VCV001015715.14), dbSNP rs1853920585, ClinGen allele CA375061861.
Genomic context (GRCh38, chr9:128,594,251, plus strand): 5'-GAACTGGGTGAGAAGCGTAAAGGCATGTTGGAGAAGAGTTGCAAGAAGTTTATGTTGTTC[C>T]GTGAAGCGAATGAACTACAGCAATGGATCAATGAGAAGGAAGCCGCTCTGACAAGTGAGG-3'
Protein context (NP_001123910.1, residues 1088-1108): EKSCKKFMLF[Arg1098Cys]EANELQQWIN